The following is an entry in ClinVar:

NM_000443.4(ABCB4):c.799A>T (p.Ile267Leu)

Gene: ABCB4 (ATP binding cassette subfamily B member 4; minus strand). Cytogenetic location: 7q21.12.
Variant type: single nucleotide variant.
Coding change: c.799A>T on transcript NM_000443.4 (MANE Select); coding-DNA position 799, A replaced by T.
Protein change: p.Ile267Leu; replaces isoleucine 267 with leucine.
Molecular consequence: missense variant.
Genome position (GRCh38, 1-based): chr7:87,450,002, T>A on the plus strand (A>T on the coding strand, the complement: ABCB4 is on the minus strand). VCF-style: chr7-87450002-T-A. GRCh37 (hg19) VCF-style: chr7-87079318-T-A.
Other names: c.799A>T, p.Ile267Leu (NM_018849.3, NM_018850.3); short protein forms I267L.
Identifiers: ClinVar variation 3346627 (VCV003346627.2).

ClinVar aggregate classification (germline): Uncertain significance. Review status: criteria provided, single submitter (1 of 4 stars). 2 submissions from 2 submitters: Uncertain significance (1). 1 of the submissions does not count toward it. Last evaluated 2025-08-03.

Conditions:
Inborn genetic diseases. Identifiers: MedGen C0950123, MeSH D030342.
ABCB4-related disorder. Also called: ABCB4-related disorders; ABCB4-related condition.

gnomAD v4.1: 2 of 1,614,154 alleles (0.00012%); highest among the groups gnomAD compares: Admixed American, 0.0033%; no homozygotes.

Submissions (2):

Ambry Genetics
Classification: Uncertain significance for Inborn genetic diseases. Last evaluated: 2025-08-03. Review status: criteria provided, single submitter. Criteria: Ambry Variant Classification Scheme 2023. Collection method: clinical testing. Allele origin: germline.

PreventionGenetics, part of Exact Sciences
Classification: Uncertain significance for ABCB4-related condition. Last evaluated: 2024-06-02. Review status: no assertion criteria provided. Collection method: clinical testing. Allele origin: germline. Not counted in ClinVar's aggregate classification.
Comment: The ABCB4 c.799A>T variant is predicted to result in the amino acid substitution p.Ile267Leu. To our knowledge, this variant has not been reported in the literature. This variant is reported in 0.0029% of alleles in individuals of Latino descent in gnomAD. At this time, the clinical significance of this variant is uncertain due to the absence of conclusive functional and genetic evidence.